The following is an entry in ClinVar:

NM_001291415.2(KDM6A):c.619+11T>G

Gene: KDM6A (lysine demethylase 6A; plus strand). Cytogenetic location: Xp11.3.
Variant type: single nucleotide variant.
Coding change: c.619+11T>G on transcript NM_001291415.2 (MANE Select); 11 bases into the intron after coding-DNA position 619, T replaced by G.
Molecular consequence: intron variant.
Genome position (GRCh38, 1-based): chrX:45,034,996, T>G. VCF-style: chrX-45034996-T-G. GRCh37 (hg19) VCF-style: chrX-44894241-T-G.
Other names: c.619+11T>G (NM_021140.4, NM_001291416.2, NM_001291417.2 and 1 more transcripts); c.-135+11T>G (NM_001291421.2).
Identifiers: ClinVar variation 1470906 (VCV001470906.8), dbSNP rs2147777658, ClinGen allele CA2573158875.

ClinVar aggregate classification (germline): Uncertain significance (1 of 4 stars; one submission).

Conditions:
Kabuki syndrome 2 (KABUK2). Also called: KDM6A-Related Kabuki Syndrome. Identifiers: Orphanet 2322, MedGen C3275495, MONDO:0010465, OMIM 300867.

Submission:

Labcorp Genetics (formerly Invitae), Labcorp
Classification: Uncertain significance for Kabuki syndrome 2. Last evaluated: 2020-12-22. Review status: criteria provided, single submitter. Criteria: Invitae Variant Classification Sherloc (09022015). Collection method: clinical testing. Allele origin: germline.
Comment: In summary, the available evidence is currently insufficient to determine the role of this variant in disease. Therefore, it has been classified as a Variant of Uncertain Significance. This sequence change falls in intron 7 of the KDM6A gene. It does not directly change the encoded amino acid sequence of the KDM6A protein. This variant is not present in population databases (ExAC no frequency). This variant has not been reported in the literature in individuals with KDM6A-related conditions. Algorithms developed to predict the effect of sequence changes on RNA splicing suggest that this variant may create or strengthen a splice site, but this prediction has not been confirmed by published transcriptional studies.